The following is an entry in ClinVar:

ClinVar aggregate classification (germline): Uncertain significance (1 of 4 stars; one submission).

Submission:

Labcorp Genetics (formerly Invitae), Labcorp
Classification: Uncertain significance. Last evaluated: 2022-07-21. Review status: criteria provided, single submitter. Criteria: Invitae Variant Classification Sherloc (09022015). Collection method: clinical testing. Allele origin: germline.
Comment: In summary, the available evidence is currently insufficient to determine the role of this variant in disease. Therefore, it has been classified as a Variant of Uncertain Significance. Algorithms developed to predict the effect of missense changes on protein structure and function (SIFT, PolyPhen-2, Align-GVGD) all suggest that this variant is likely to be disruptive. This missense change has been observed in individual(s) with Usher syndrome (PMID: 26927203). This variant is not present in population databases (gnomAD no frequency). This sequence change replaces lysine, which is basic and polar, with asparagine, which is neutral and polar, at codon 402 of the USH2A protein (p.Lys402Asn).

Literature cited by the submitters: PubMed 26927203.

NM_206933.4(USH2A):c.1206G>T (p.Lys402Asn)

Gene: USH2A (usherin; minus strand). Cytogenetic location: 1q41.
Variant type: single nucleotide variant.
Coding change: c.1206G>T on transcript NM_206933.4 (MANE Select); coding-DNA position 1206, G replaced by T.
Protein change: p.Lys402Asn; replaces lysine 402 with asparagine.
Molecular consequence: missense variant.
Genome position (GRCh38, 1-based): chr1:216,324,290, C>A on the plus strand (G>T on the coding strand, the complement: USH2A is on the minus strand). VCF-style: chr1-216324290-C-A. GRCh37 (hg19) VCF-style: chr1-216497632-C-A.
Other names: c.1206G>T, p.Lys402Asn (NM_007123.6); short protein forms K402N.
Identifiers: ClinVar variation 2202983 (VCV002202983.3), dbSNP rs2102654234, ClinGen allele CA344911872.